The following is an entry in ClinVar:

ClinVar aggregate classification (germline): Uncertain significance (1 of 4 stars; one submission).

Submission:

Ambry Genetics
Classification: Uncertain significance. Last evaluated: 2025-06-12. Review status: criteria provided, single submitter. Criteria: Ambry Variant Classification Scheme 2023. Collection method: clinical testing. Allele origin: germline.
Comment: The p.A439S variant (also known as c.1315G>T), located in coding exon 8 of the ATRIP gene, results from a G to T substitution at nucleotide position 1315. The alanine at codon 439 is replaced by serine, an amino acid with similar properties. This amino acid position is conserved. In addition, this alteration is predicted to be tolerated by in silico analysis. Based on the available evidence, the clinical significance of this variant remains unclear.

NM_130384.3(ATRIP):c.1315G>T (p.Ala439Ser)

Genes: ATRIP (ATR interacting protein; plus strand), ATRIP-TREX1 (ATRIP-TREX1 readthrough; plus strand). Cytogenetic location: 3p21.31.
Variant type: single nucleotide variant.
Coding change: c.1315G>T on transcript NM_130384.3 (MANE Select); coding-DNA position 1315, G replaced by T.
Protein change: p.Ala439Ser; replaces alanine 439 with serine.
Molecular consequence: missense variant. On other transcripts: non-coding transcript variant (1).
Genome position (GRCh38, 1-based): chr3:48,460,369, G>T. VCF-style: chr3-48460369-G-T. GRCh37 (hg19) VCF-style: chr3-48501768-G-T.
Other names: c.934G>T, p.Ala312Ser (NM_001271022.2); c.1036G>T, p.Ala346Ser (NM_001271023.2); c.1315G>T, p.Ala439Ser (NM_032166.4); short protein forms A312S, A346S, A439S.
Identifiers: ClinVar variation 3977186 (VCV003977186.1).